The following is an entry in ClinVar:

ClinVar aggregate classification (germline): Uncertain significance (1 of 4 stars; one submission).

Allele frequency attached by ClinVar (database versions not stated): gnomAD exomes below 0.00001; TOPMed below 0.00001; gnomAD 0.00001.
gnomAD v4.1: 3 of 1,611,562 alleles (0.00019%); highest among the groups gnomAD compares: Non-Finnish European, 0.00025%; no homozygotes.

Submission:

Labcorp Genetics (formerly Invitae), Labcorp
Classification: Uncertain significance. Last evaluated: 2023-11-27. Review status: criteria provided, single submitter. Criteria: Invitae Variant Classification Sherloc (09022015). Collection method: clinical testing. Allele origin: germline.
Comment: This sequence change replaces lysine, which is basic and polar, with glutamine, which is neutral and polar, at codon 70 of the PCK1 protein (p.Lys70Gln). This variant is present in population databases (no rsID available, gnomAD 0.007%). This variant has not been reported in the literature in individuals affected with PCK1-related conditions. ClinVar contains an entry for this variant (Variation ID: 1349777). Advanced modeling of protein sequence and biophysical properties (such as structural, functional, and spatial information, amino acid conservation, physicochemical variation, residue mobility, and thermodynamic stability) performed at Invitae indicates that this missense variant is not expected to disrupt PCK1 protein function with a negative predictive value of 80%. In summary, the available evidence is currently insufficient to determine the role of this variant in disease. Therefore, it has been classified as a Variant of Uncertain Significance.

NM_002591.4(PCK1):c.208A>C (p.Lys70Gln)

Gene: PCK1 (phosphoenolpyruvate carboxykinase 1; plus strand). Cytogenetic location: 20q13.31.
Variant type: single nucleotide variant.
Coding change: c.208A>C on transcript NM_002591.4 (MANE Select); coding-DNA position 208, A replaced by C.
Protein change: p.Lys70Gln; replaces lysine 70 with glutamine.
Molecular consequence: missense variant.
Genome position (GRCh38, 1-based): chr20:57,561,619, A>C. VCF-style: chr20-57561619-A-C. GRCh37 (hg19) VCF-style: chr20-56136675-A-C.
Other names: short protein forms K70Q.
Identifiers: ClinVar variation 1349777 (VCV001349777.6), dbSNP rs1405681647, ClinGen allele CA409434469.